The following is an entry in ClinVar:

ClinVar aggregate classification (germline): Uncertain significance (1 of 4 stars; one submission).

gnomAD v4.1: 1 of 1,488,678 alleles (0.000067%); highest among the groups gnomAD compares: Non-Finnish European, 0.000089%; no homozygotes.

Submission:

Labcorp Genetics (formerly Invitae), Labcorp
Classification: Uncertain significance. Last evaluated: 2024-05-29. Review status: criteria provided, single submitter. Criteria: Invitae Variant Classification Sherloc (09022015). Collection method: clinical testing. Allele origin: germline.
Comment: This sequence change falls in intron 14 of the CPLANE1 gene. It does not directly change the encoded amino acid sequence of the CPLANE1 protein. It affects a nucleotide within the consensus splice site. This variant is not present in population databases (gnomAD no frequency). This variant has not been reported in the literature in individuals affected with CPLANE1-related conditions. Variants that disrupt the consensus splice site are a relatively common cause of aberrant splicing (PMID: 17576681, 9536098). Algorithms developed to predict the effect of sequence changes on RNA splicing suggest that this variant is not likely to affect RNA splicing. In summary, the available evidence is currently insufficient to determine the role of this variant in disease. Therefore, it has been classified as a Variant of Uncertain Significance.

Literature cited by the submitters: PubMed 17576681; PubMed 9536098.

NM_001384732.1(CPLANE1):c.2582-3C>T

Gene: CPLANE1 (ciliogenesis and planar polarity effector complex subunit 1; minus strand). Cytogenetic location: 5p13.2.
Variant type: single nucleotide variant.
Coding change: c.2582-3C>T on transcript NM_001384732.1 (MANE Select); 3 bases into the intron before coding-DNA position 2582, C replaced by T.
Molecular consequence: intron variant.
Genome position (GRCh38, 1-based): chr5:37,221,491, G>A on the plus strand (C>T on the coding strand, the complement: CPLANE1 is on the minus strand). VCF-style: chr5-37221491-G-A. GRCh37 (hg19) VCF-style: chr5-37221593-G-A.
Other names: c.2582-3C>T (NM_023073.4).
Identifiers: ClinVar variation 3650002 (VCV003650002.2).